The following is an entry in ClinVar:

ClinVar aggregate classification (germline): Pathogenic (1 of 4 stars; one submission).

Conditions:
Inborn genetic diseases. Identifiers: MedGen C0950123, MeSH D030342.

Submission:

Ambry Genetics
Classification: Pathogenic for Inborn genetic diseases. Last evaluated: 2022-06-30. Review status: criteria provided, single submitter. Criteria: Ambry Variant Classification Scheme 2023. Collection method: clinical testing. Allele origin: germline.
Comment: The c.1447C>T (p.Q483*) alteration, located in exon 6 (coding exon 6) of the EP300 gene, consists of a C to T substitution at nucleotide position 1447. This changes the amino acid from a glutamine (Q) to a stop codon at amino acid position 483. This alteration is expected to result in loss of function by premature protein truncation or nonsense-mediated mRNA decay. This variant was not reported in population-based cohorts in the Genome Aggregation Database (gnomAD). Based on the available evidence, this alteration is classified as pathogenic.

NM_001429.4(EP300):c.1447C>T (p.Gln483Ter)

Gene: EP300 (E1A binding protein p300; plus strand). Cytogenetic location: 22q13.2.
Variant type: single nucleotide variant.
Coding change: c.1447C>T on transcript NM_001429.4 (MANE Select); coding-DNA position 1447, C replaced by T.
Protein change: p.Gln483Ter; replaces glutamine 483 with a stop codon.
Molecular consequence: nonsense.
Genome position (GRCh38, 1-based): chr22:41,131,552, C>T. VCF-style: chr22-41131552-C-T. GRCh37 (hg19) VCF-style: chr22-41527556-C-T.
Other names: c.1447C>T, p.Gln483Ter (NM_001362843.2); short protein forms Q483*.
Identifiers: ClinVar variation 2290525 (VCV002290525.2), dbSNP rs2145715728, ClinGen allele CA411685944.